The following is an entry in ClinVar:

ClinVar aggregate classification (germline): Conflicting classifications of pathogenicity. Review status: criteria provided, conflicting classifications (1 of 4 stars). 5 submissions from 5 submitters: Uncertain significance (4); Likely benign (1). Last evaluated 2026-07-21.

Conditions:
ADGRV1-related disorder. Also called: ADGRV1-related condition; ADGRV1-related disorders.
Inborn genetic diseases. Identifiers: MedGen C0950123, MeSH D030342.

Allele frequency attached by ClinVar (database versions not stated): gnomAD 0.00001 and 0.00002; gnomAD exomes 0.00001 and 0.00004; TOPMed 0.00003; ExAC 0.00005; 1000 Genomes Project 30x 0.00016.
gnomAD v4.1: 14 of 1,610,772 alleles (0.00087%); highest among the groups gnomAD compares: East Asian, 0.029%; no homozygotes.

Submissions (5):

PreventionGenetics, part of Exact Sciences
Classification: Uncertain significance for ADGRV1-related condition. Last evaluated: 2026-07-21. Review status: criteria provided, single submitter. Criteria: ACMG Guidelines, 2015. Collection method: clinical testing. Allele origin: germline.
Comment: The ADGRV1 c.14521T>C variant is predicted to result in the amino acid substitution p.Phe4841Leu. This variant was reported in the heterozygous state in an individual with hereditary diffuse gastric cancer (Table S5, Liu et al. 2022. PubMed ID: 36484990); however, to our knowledge, this variant has not been reported in individuals with ADGRV1-related disease in the literature. This variant is reported in 0.056% of alleles in individuals of East Asian descent in gnomAD v2. However, in gnomAD v4 (available only on GRCh38), this variant is reported in 0.029% of alleles in individuals of East Asian descent. At this time, the clinical significance of this variant is uncertain due to the absence of conclusive functional and genetic evidence.

Labcorp Genetics (formerly Invitae), Labcorp
Classification: Likely benign. Last evaluated: 2024-11-18. Review status: criteria provided, single submitter. Criteria: Invitae Variant Classification Sherloc (09022015). Collection method: clinical testing. Allele origin: germline.

Blueprint Genetics
Classification: Uncertain significance. Last evaluated: 2024-04-17. Review status: criteria provided, single submitter. Criteria: ACMG Guidelines, 2015. Collection method: clinical testing. Allele origin: germline.

Ambry Genetics
Classification: Uncertain significance for Inborn genetic diseases. Last evaluated: 2024-01-03. Review status: criteria provided, single submitter. Criteria: Ambry Variant Classification Scheme 2023. Collection method: clinical testing. Allele origin: germline.

GeneDx
Classification: Uncertain significance. Last evaluated: 2023-07-14. Review status: criteria provided, single submitter. Criteria: GeneDx Variant Classification Process June 2021. Collection method: clinical testing. Allele origin: germline. Affected: yes.
Comment: In silico analysis supports that this missense variant has a deleterious effect on protein structure/function; Has not been previously published as pathogenic or benign to our knowledge

NM_032119.4(ADGRV1):c.14521T>C (p.Phe4841Leu)

Gene: ADGRV1 (adhesion G protein-coupled receptor V1; plus strand). Cytogenetic location: 5q14.3.
Variant type: single nucleotide variant.
Coding change: c.14521T>C on transcript NM_032119.4 (MANE Select); coding-DNA position 14521, T replaced by C.
Protein change: p.Phe4841Leu; replaces phenylalanine 4841 with leucine.
Molecular consequence: missense variant. On other transcripts: non-coding transcript variant (1).
Genome position (GRCh38, 1-based): chr5:90,802,742, T>C. VCF-style: chr5-90802742-T-C. GRCh37 (hg19) VCF-style: chr5-90098559-T-C.
Other names: c.14521T>C (NM_032119.3); short protein forms F4841L.
Identifiers: ClinVar variation 1479142 (VCV001479142.12), dbSNP rs763840800, ClinGen allele CA3341752.